The following is an entry in ClinVar:

NM_000834.5(GRIN2B):c.3626G>A (p.Arg1209Gln)

Gene: GRIN2B (glutamate ionotropic receptor NMDA type subunit 2B; minus strand). Cytogenetic location: 12p13.1.
Variant type: single nucleotide variant.
Coding change: c.3626G>A on transcript NM_000834.5 (MANE Select); coding-DNA position 3626, G replaced by A.
Protein change: p.Arg1209Gln; replaces arginine 1209 with glutamine.
Molecular consequence: missense variant.
Genome position (GRCh38, 1-based): chr12:13,563,612, C>T on the plus strand (G>A on the coding strand, the complement: GRIN2B is on the minus strand). VCF-style: chr12-13563612-C-T. GRCh37 (hg19) VCF-style: chr12-13716546-C-T.
Other names: short protein forms R1209Q.
Identifiers: ClinVar variation 245831 (VCV000245831.10), dbSNP rs748005909, ClinGen allele CA6460870.

ClinVar aggregate classification (germline): Uncertain significance. Review status: criteria provided, multiple submitters, no conflicts (2 of 4 stars). 2 submissions from 2 submitters: Uncertain significance (2). Last evaluated 2023-11-08.

Conditions:
Intellectual developmental disorder, autosomal dominant 6, with or without seizures. Also called: Intellectual disability, autosomal dominant 6; GRIN2B-related developmental delay, intellectual disability and autism spectrum disorder. Identifiers: Orphanet 589547, MedGen C3151411, MONDO:0013509, OMIM 613970.
Developmental and epileptic encephalopathy, 27 (DEE27). Also called: Epileptic encephalopathy, early infantile, 27; GRIN2B-Related Neurodevelopmental Disorder. Identifiers: Orphanet 3451, MedGen C4015316, MONDO:0014505, OMIM 616139.

Allele frequency attached by ClinVar (database versions not stated): ExAC 0.00001; gnomAD 0.00001; TOPMed 0.00001.
gnomAD v4.1: 7 of 1,613,890 alleles (0.00043%); highest among the groups gnomAD compares: Non-Finnish European, 0.00059%; no homozygotes.

Submissions (2):

GeneDx
Classification: Uncertain significance. Last evaluated: 2023-11-08. Review status: criteria provided, single submitter. Criteria: GeneDx Variant Classification Process June 2021. Collection method: clinical testing. Allele origin: germline. Affected: yes.
Comment: In silico analysis supports that this missense variant has a deleterious effect on protein structure/function; Has not been previously published as pathogenic or benign to our knowledge

Labcorp Genetics (formerly Invitae), Labcorp
Classification: Uncertain significance for Developmental and epileptic encephalopathy, 27; Intellectual developmental disorder, autosomal dominant 6, with or without seizures. Last evaluated: 2022-11-23. Review status: criteria provided, single submitter. Criteria: Invitae Variant Classification Sherloc (09022015). Collection method: clinical testing. Allele origin: germline.
Comment: This sequence change replaces arginine, which is basic and polar, with glutamine, which is neutral and polar, at codon 1209 of the GRIN2B protein (p.Arg1209Gln). This variant is present in population databases (rs748005909, gnomAD 0.0008%). This variant has not been reported in the literature in individuals affected with GRIN2B-related conditions. ClinVar contains an entry for this variant (Variation ID: 245831). Advanced modeling of protein sequence and biophysical properties (such as structural, functional, and spatial information, amino acid conservation, physicochemical variation, residue mobility, and thermodynamic stability) performed at Invitae indicates that this missense variant is not expected to disrupt GRIN2B protein function. In summary, the available evidence is currently insufficient to determine the role of this variant in disease. Therefore, it has been classified as a Variant of Uncertain Significance.